The following is an entry in ClinVar:

NM_006516.4(SLC2A1):c.162G>C (p.Glu54Asp)

Gene: SLC2A1 (solute carrier family 2 member 1; minus strand). Cytogenetic location: 1p34.2.
Variant type: single nucleotide variant.
Coding change: c.162G>C on transcript NM_006516.4 (MANE Select); coding-DNA position 162, G replaced by C.
Protein change: p.Glu54Asp; replaces glutamic acid 54 with aspartic acid.
Molecular consequence: missense variant.
Genome position (GRCh38, 1-based): chr1:42,931,159, C>G on the plus strand (G>C on the coding strand, the complement: SLC2A1 is on the minus strand). VCF-style: chr1-42931159-C-G. GRCh37 (hg19) VCF-style: chr1-43396830-C-G.
Other names: short protein forms E54D.
Identifiers: ClinVar variation 1313118 (VCV001313118.2), dbSNP rs2124450883, ClinGen allele CA339962341.

ClinVar aggregate classification (germline): Uncertain significance (1 of 4 stars; one submission).

Submission:

GeneDx
Classification: Uncertain significance. Last evaluated: 2020-07-16. Review status: criteria provided, single submitter. Criteria: GeneDx Variant Classification Process June 2021. Collection method: clinical testing. Allele origin: germline. Affected: yes.
Comment: Not observed in large population cohorts (Lek et al., 2016); In silico analysis supports that this missense variant does not alter protein structure/function; Has not been previously published as pathogenic or benign to our knowledge